The following is an entry in ClinVar:

NM_000501.4(ELN):c.1150+20C>G

Gene: ELN (elastin; plus strand). Cytogenetic location: 7q11.23.
Variant type: single nucleotide variant.
Coding change: c.1150+20C>G on transcript NM_000501.4 (MANE Select); 20 bases into the intron after coding-DNA position 1150, C replaced by G.
Molecular consequence: intron variant.
Genome position (GRCh38, 1-based): chr7:74,054,789, C>G. VCF-style: chr7-74054789-C-G. GRCh37 (hg19) VCF-style: chr7-73469119-C-G.
Other names: c.1165+20C>G (NM_001081754.3, NM_001081753.3); c.1150+20C>G (NM_001278939.2, NM_001278915.2, NM_001278912.2 and 1 more transcripts); c.1108+20C>G (NM_001278916.2); c.1042+20C>G (NM_001278913.2); c.1135+20C>G (NM_001278914.2); c.1120+20C>G (NM_001278917.2, NM_001081752.3); c.1018+20C>G (NM_001278918.2).
Identifiers: ClinVar variation 511521 (VCV000511521.1), dbSNP rs1554678579, ClinGen allele CA658796943.

ClinVar aggregate classification (germline): Likely benign (1 of 4 stars; one submission).

Submission:

GeneDx
Classification: Likely benign. Last evaluated: 2017-08-18. Review status: criteria provided, single submitter. Criteria: GeneDx Variant Classification (06012015). Collection method: clinical testing. Allele origin: germline. Affected: yes.
Comment: This variant is considered likely benign or benign based on one or more of the following criteria: it is a conservative change, it occurs at a poorly conserved position in the protein, it is predicted to be benign by multiple in silico algorithms, and/or has population frequency not consistent with disease.